The following is an entry in ClinVar:

ClinVar aggregate classification (germline): Pathogenic (1 of 4 stars; one submission).

Conditions:
Sessile serrated polyposis cancer syndrome (SSPCS). Identifiers: Orphanet 157798, MedGen C4310714, MONDO:0014919, OMIM 617108.

Submission:

Myriad Genetics, Inc.
Classification: Pathogenic for Sessile serrated polyposis cancer syndrome. Last evaluated: 2025-12-15. Review status: criteria provided, single submitter. Criteria: Myriad Autosomal Dominant, Autosomal Recessive and X-Linked Classification Criteria (2023). Collection method: clinical testing. Allele origin: unknown.
Comment: This variant is considered pathogenic. This variant creates a frameshift predicted to result in premature protein truncation.

NM_017763.6(RNF43):c.1252_1255dup (p.Ser419fs)

Gene: RNF43 (ring finger protein 43; minus strand). Cytogenetic location: 17q22.
Variant type: Duplication.
Coding change: c.1252_1255dup on transcript NM_017763.6 (MANE Select); coding-DNA positions 1252 to 1255, 4 bases duplicated (CTGA; older notation c.1252_1255dupCTGA).
Protein change: p.Ser419fs; shifts the reading frame from serine 419.
Molecular consequence: frameshift variant.
Genome position (GRCh38, 1-based): chr17:58,358,521-58,358,524, TCAG duplicated on the plus strand (CTGA on the coding strand, the reverse complement: RNF43 is on the minus strand); duplicating any 4 consecutive bases within chr17:58,358,521-58,358,526 gives the same sequence; the c. name uses the placement nearest the transcript's 3' end. VCF-style (leftmost placement, unchanged base first): chr17-58358520-C-CTCAG. GRCh37 (hg19) VCF-style: chr17-56435881-C-CTCAG.
Other names: c.1252_1255dup, p.Ser419fs (NM_001305544.3, NM_001438820.1, NM_001438821.1 and 1 more transcripts); c.871_874dup, p.Ser292fs (NM_001305545.2, NM_001437987.1); short protein forms S292fs, S419fs.
Identifiers: ClinVar variation 4812965 (VCV004812965.1).